The following is an entry in ClinVar:

NM_001267550.2(TTN):c.13072G>T (p.Glu4358Ter)

Gene: TTN (titin; minus strand). Cytogenetic location: 2q31.2.
Variant type: single nucleotide variant.
Coding change: c.13072G>T on transcript NM_001267550.2 (MANE Select); coding-DNA position 13072, G replaced by T.
Protein change: p.Glu4358Ter; replaces glutamic acid 4358 with a stop codon.
Molecular consequence: nonsense. On other transcripts: intron variant (1).
Genome position (GRCh38, 1-based): chr2:178,740,161, C>A on the plus strand (G>T on the coding strand, the complement: TTN is on the minus strand). VCF-style: chr2-178740161-C-A. GRCh37 (hg19) VCF-style: chr2-179604888-C-A.
Other names: c.12121G>T, p.Glu4041Ter (NM_001256850.1); c.11983G>T, p.Glu3995Ter (NM_003319.4); c.12358G>T, p.Glu4120Ter (NM_133432.3); c.12559G>T, p.Glu4187Ter (NM_133437.4); c.10361-1801G>T (NM_133378.4); short protein forms E4187*, E4120*, E4041*, E3995*, E4358*.
Identifiers: ClinVar variation 1431264 (VCV001431264.6), dbSNP rs757979946, ClinGen allele CA349609526.

ClinVar aggregate classification (germline): Likely pathogenic (1 of 4 stars; one submission).

Conditions:
Dilated cardiomyopathy 1G (CMD1G). Identifiers: Orphanet 154, MedGen C1858763, MONDO:0011400, OMIM 604145.
Autosomal recessive limb-girdle muscular dystrophy type 2J (LGMDR10). Also called: MUSCULAR DYSTROPHY, LIMB-GIRDLE, AUTOSOMAL RECESSIVE 10; Limb-girdle muscular dystrophy, type 2J. Identifiers: Orphanet 140922, MedGen C1837342, MONDO:0012127, OMIM 608807.

Submission:

Labcorp Genetics (formerly Invitae), Labcorp
Classification: Likely pathogenic for Dilated cardiomyopathy 1G; Autosomal recessive limb-girdle muscular dystrophy type 2J. Last evaluated: 2024-10-18. Review status: criteria provided, single submitter. Criteria: Invitae Variant Classification Sherloc (09022015). Collection method: clinical testing. Allele origin: germline.
Comment: This sequence change creates a premature translational stop signal (p.Glu4358*) in the TTN gene. While this is not anticipated to result in nonsense mediated decay, it is expected to create a truncated TTN protein. This variant is not present in population databases (gnomAD no frequency). This variant has not been reported in the literature in individuals affected with TTN-related conditions. ClinVar contains an entry for this variant (Variation ID: 1431264). This variant is located in the I band of TTN (PMID: 25589632). Truncating variants in this region have been reported in individuals affected with autosomal recessive centronuclear myopathy (PMID: 23975875, internal data). Truncating variants in this region have also been identified in individuals affected with autosomal dominant dilated cardiomyopathy and/or cardio-related conditions (PMID: 27869827, 32964742, internal data). In summary, the currently available evidence indicates that the variant is pathogenic, but additional data are needed to prove that conclusively. Therefore, this variant has been classified as Likely Pathogenic.

Literature cited by the submitters: PubMed 25589632; PubMed 23975875; PubMed 27869827; PubMed 32964742.